The following is an entry in ClinVar:

NM_007294.4(BRCA1):c.1099del (p.Thr367fs)

Gene: BRCA1 (BRCA1 DNA repair associated; minus strand). Cytogenetic location: 17q21.31.
Variant type: Deletion.
Coding change: c.1099del on transcript NM_007294.4 (MANE Select); coding-DNA position 1099, one base deleted (A; older notation c.1099delA).
Protein change: p.Thr367fs; shifts the reading frame from threonine 367.
Molecular consequence: frameshift variant. On other transcripts: intron variant (137).
Genome position (GRCh38, 1-based): chr17:43,094,432, T deleted on the plus strand (A on the coding strand, the reverse complement: BRCA1 is on the minus strand). VCF-style (leftmost placement, unchanged base first): chr17-43094431-GT-G. GRCh37 (hg19) VCF-style: chr17-41246448-GT-G.
Other names: c.973del, p.Thr325fs (NM_001407687.1, NM_001407688.1, NM_001407689.1 and 11 more transcripts); c.958del, p.Thr320fs (NM_001407692.1, NM_001407694.1, NM_001407695.1 and 29 more transcripts); c.886del, p.Thr296fs (NM_001407571.1, NM_001407853.1, NM_001407894.1 and 9 more transcripts); c.1099del, p.Thr367fs (NM_001407581.1, NM_001407582.1, NM_001407583.1 and 30 more transcripts); c.1096del, p.Thr366fs (NM_001407587.1, NM_001407590.1, NM_001407591.1 and 22 more transcripts); c.1090del, p.Thr364fs (NM_001407646.1, NM_001407647.1); c.976del, p.Thr326fs (NM_001407648.1, NM_001407664.1, NM_001407665.1 and 19 more transcripts); c.1021del, p.Thr341fs (NM_001407653.1, NM_001407654.1, NM_001407655.1 and 4 more transcripts); and 40 more; short protein forms T320fs, T367fs, T255fs, T296fs, T340fs, T240fs, T256fs, T297fs.
Identifiers: ClinVar variation 1073703 (VCV001073703.10), dbSNP rs2154476235, ClinGen allele CA2499224562.

ClinVar aggregate classification (germline): Pathogenic. Review status: criteria provided, multiple submitters, no conflicts (2 of 4 stars). 2 submissions from 2 submitters: Pathogenic (2). Last evaluated 2020-10-22.

Conditions:
Hereditary cancer-predisposing syndrome. Also called: Tumor predisposition; Hereditary neoplastic syndrome; Neoplastic Syndromes, Hereditary; Hereditary Cancer Syndrome. Identifiers: Orphanet 140162, MedGen C0027672, MeSH D009386, MONDO:0015356.
Hereditary breast ovarian cancer syndrome. Also called: Hereditary breast and ovarian cancer syndrome (HBOC); Hereditary breast and/or ovarian cancer syndrome; Hereditary breast and ovarian cancer; BRCA1- and BRCA2-Associated Hereditary Breast and Ovarian Cancer; Hereditary breast and ovarian cancer syndrome; Breast and ovarian cancer. Identifiers: Orphanet 145, MedGen C0677776, MeSH D061325, MONDO:0003582. Disease mechanism: loss of function.

Submissions (2):

Ambry Genetics
Classification: Pathogenic for Hereditary cancer-predisposing syndrome. Last evaluated: 2020-10-22. Review status: criteria provided, single submitter. Criteria: Ambry Variant Classification Scheme 2023. Collection method: clinical testing. Allele origin: germline.
Comment: The c.1099delA pathogenic mutation, located in coding exon 9 of the BRCA1 gene, results from a deletion of one nucleotide at nucleotide position 1099, causing a translational frameshift with a predicted alternate stop codon (p.T367Lfs*7). This alteration is expected to result in loss of function by premature protein truncation or nonsense-mediated mRNA decay. As such, this alteration is interpreted as a disease-causing mutation.

Labcorp Genetics (formerly Invitae), Labcorp
Classification: Pathogenic for Hereditary breast ovarian cancer syndrome. Last evaluated: 2020-04-06. Review status: criteria provided, single submitter. Criteria: Invitae Variant Classification Sherloc (09022015). Collection method: clinical testing. Allele origin: germline.
Comment: For these reasons, this variant has been classified as Pathogenic. Loss-of-function variants in BRCA1 are known to be pathogenic (PMID: 20104584). This variant has not been reported in the literature in individuals with BRCA1-related conditions. This variant is not present in population databases (ExAC no frequency). This sequence change creates a premature translational stop signal (p.Thr367Leufs*7) in the BRCA1 gene. It is expected to result in an absent or disrupted protein product.

Literature cited by the submitters: PubMed 20104584 (cited by Labcorp Genetics (formerly Invitae), Labcorp).